The following is an entry in ClinVar:

ClinVar aggregate classification (germline): Uncertain significance (1 of 4 stars; one submission).

Conditions:
Intellectual disability. Also called: Intellectual developmental disorder; Intellectual functioning disability; intellectual disabilities. Identifiers: MedGen C3714756, MeSH D008607, MONDO:0001071, HP:0001249.

Submission:

Labcorp Genetics (formerly Invitae), Labcorp
Classification: Uncertain significance for Intellectual disability. Last evaluated: 2024-07-01. Review status: criteria provided, single submitter. Criteria: Invitae Variant Classification Sherloc (09022015). Collection method: clinical testing. Allele origin: germline.
Comment: This sequence change replaces isoleucine, which is neutral and non-polar, with threonine, which is neutral and polar, at codon 487 of the GABRB2 protein (p.Ile487Thr). This variant is not present in population databases (gnomAD no frequency). This variant has not been reported in the literature in individuals affected with GABRB2-related conditions. Advanced modeling of protein sequence and biophysical properties (such as structural, functional, and spatial information, amino acid conservation, physicochemical variation, residue mobility, and thermodynamic stability) has been performed at Invitae for this missense variant, however the output from this modeling did not meet the statistical confidence thresholds required to predict the impact of this variant on GABRB2 protein function. In summary, the available evidence is currently insufficient to determine the role of this variant in disease. Therefore, it has been classified as a Variant of Uncertain Significance.

NM_001371727.1(GABRB2):c.1460T>C (p.Ile487Thr)

Gene: GABRB2 (gamma-aminobutyric acid type A receptor subunit beta2; minus strand). Cytogenetic location: 5q34.
Variant type: single nucleotide variant.
Coding change: c.1460T>C on transcript NM_001371727.1 (MANE Select); coding-DNA position 1460, T replaced by C.
Protein change: p.Ile487Thr; replaces isoleucine 487 with threonine.
Molecular consequence: missense variant.
Genome position (GRCh38, 1-based): chr5:161,294,160, A>G on the plus strand (T>C on the coding strand, the complement: GABRB2 is on the minus strand). VCF-style: chr5-161294160-A-G. GRCh37 (hg19) VCF-style: chr5-160721167-A-G.
Other names: c.1346T>C, p.Ile449Thr (NM_000813.3); c.1460T>C, p.Ile487Thr (NM_021911.3); short protein forms I449T, I487T.
Identifiers: ClinVar variation 3710054 (VCV003710054.2).